The following is an entry in ClinVar:

ClinVar aggregate classification (germline): Pathogenic (1 of 4 stars; one submission).

Conditions:
Hereditary breast ovarian cancer syndrome. Also called: Hereditary breast and ovarian cancer syndrome; BRCA1- and BRCA2-Associated Hereditary Breast and Ovarian Cancer; Breast and ovarian cancer; Hereditary breast and ovarian cancer; Hereditary breast and ovarian cancer syndrome (HBOC); Hereditary breast and/or ovarian cancer syndrome. Identifiers: Orphanet 145, MedGen C0677776, MeSH D061325, MONDO:0003582. Disease mechanism: loss of function.

Submission:

Women's Health and Genetics/Laboratory Corporation of America, LabCorp
Classification: Pathogenic for Hereditary breast ovarian cancer syndrome. Last evaluated: 2024-05-10. Review status: criteria provided, single submitter. Criteria: LabCorp Variant Classification Summary - May 2015. Collection method: clinical testing. Allele origin: germline.
Comment: Variant summary: The variant involves the deletion of exons 1-6 in the BRCA1 gene. A presumed nomenclature of c.(?_-114)_(441+1_442-1)del has been designated for the purposes of this classification. The exact breakpoint at the 5' end of this variant is unknown, therefore this deletion may extend upstream of the annotated region of this gene. Although the exact breakpoints of this deletion are not known, it is predicted to remove the initiation codon and result in an absence of protein or a truncation of the encoded protein due to translation initiation at a downstream site. The variant was absent in 120780 control chromosomes in the gnomAD database (Structural Variants v4.0 dataset). The deletion of exons 1-6 (legacy name exons 1-7) has been reported in the literature in multiple individuals with personal and/or family history of breast- and ovarian cancer (e.g. Engert_2008, Arnold_2014, Rebbeck_2018). These data indicate that the variant is very likely to be associated with disease. To our knowledge, no experimental evidence demonstrating an impact on protein function has been reported. ClinVar contains an entry for this variant (Variation ID: 373861). Based on the evidence outlined above, the variant was classified as pathogenic.

Literature cited by the submitters: PubMed 18431737; PubMed 24825132; PubMed 29446198.

NC_000017.10:g.(41251898_41256138)_(41277382_?)del

Gene: BRCA1 (BRCA1 DNA repair associated; minus strand). Cytogenetic location: 17q21.31.
Variant type: Deletion.
Identifiers: ClinVar variation 3336051 (VCV003336051.1).